The following is an entry in ClinVar:

ClinVar aggregate classification (germline): Conflicting classifications of pathogenicity. Review status: criteria provided, conflicting classifications (1 of 4 stars). 2 submissions from 2 submitters: Uncertain significance (1); Benign (1). Last evaluated 2022-08-01.

Conditions:
Epilepsy, familial temporal lobe, 1. Identifiers: Orphanet 101046, MedGen CN030884, MONDO:0700090, OMIM 600512.

Allele frequency attached by ClinVar (database versions not stated): gnomAD 0.00099 and 0.00103; TOPMed 0.00103; gnomAD exomes 0.00123.
gnomAD v4.1: 728 of 632,098 alleles (0.12%); highest among the groups gnomAD compares: Non-Finnish European, 0.18%; no homozygotes.

Submissions (2):

CeGaT Center for Human Genetics Tuebingen
Classification: Benign. Last evaluated: 2022-08-01. Review status: criteria provided, single submitter. Criteria: CeGaT Center For Human Genetics Tuebingen Variant Classification Criteria Version 2. Collection method: clinical testing. Allele origin: germline. Affected: yes. Observed: 2 variant alleles.
Comment: LGI1: BS1, BS2

Illumina Laboratory Services, Illumina
Classification: Uncertain significance for Epilepsy, familial temporal lobe, 1. Last evaluated: 2017-04-27. Review status: criteria provided, single submitter. Criteria: ICSL Variant Classification Criteria 13 December 2019. Collection method: clinical testing. Allele origin: germline.

NM_005097.4(LGI1):c.*180G>A

Gene: LGI1 (leucine rich glioma inactivated 1; plus strand). Cytogenetic location: 10q23.33.
Variant type: single nucleotide variant.
Coding change: c.*180G>A on transcript NM_005097.4 (MANE Select); 180 bases downstream of the stop codon, G replaced by A.
Molecular consequence: 3 prime UTR variant. On other transcripts: non-coding transcript variant (1).
Genome position (GRCh38, 1-based): chr10:93,797,983, G>A. VCF-style: chr10-93797983-G-A. GRCh37 (hg19) VCF-style: chr10-95557740-G-A.
Other names: c.*197G>A (NM_001308275.2); c.*180G>A (NM_001308276.2).
Identifiers: ClinVar variation 879215 (VCV000879215.28), dbSNP rs544656851, ClinGen allele CA211586065.